The following is an entry in ClinVar:

ClinVar aggregate classification (germline): Uncertain significance (1 of 4 stars; one submission).

Allele frequency attached by ClinVar (database versions not stated): gnomAD exomes below 0.00001 and 0.00001; ExAC 0.00003.
gnomAD v4.1: 1 of 1,578,686 alleles (0.000063%); highest among the groups gnomAD compares: South Asian, 0.0012%; no homozygotes.

Submission:

Labcorp Genetics (formerly Invitae), Labcorp
Classification: Uncertain significance. Last evaluated: 2021-09-03. Review status: criteria provided, single submitter. Criteria: Invitae Variant Classification Sherloc (09022015). Collection method: clinical testing. Allele origin: germline.
Comment: This variant is present in population databases (rs1051440, ExAC 0.01%). This sequence change replaces glycine with aspartic acid at codon 1509 of the LTBP4 protein (p.Gly1509Asp). The glycine residue is highly conserved and there is a moderate physicochemical difference between glycine and aspartic acid. This variant has not been reported in the literature in individuals affected with LTBP4-related conditions. In summary, the available evidence is currently insufficient to determine the role of this variant in disease. Therefore, it has been classified as a Variant of Uncertain Significance. Experimental studies and prediction algorithms are not available or were not evaluated, and the functional significance of this variant is currently unknown.

NM_001042545.2(LTBP4):c.4436G>A (p.Gly1479Asp)

Gene: LTBP4 (latent transforming growth factor beta binding protein 4; plus strand). Cytogenetic location: 19q13.2.
Variant type: single nucleotide variant.
Coding change: c.4436G>A on transcript NM_001042545.2 (MANE Select); coding-DNA position 4436, G replaced by A.
Protein change: p.Gly1479Asp; replaces glycine 1479 with aspartic acid.
Molecular consequence: missense variant.
Genome position (GRCh38, 1-based): chr19:40,627,774, G>A. VCF-style: chr19-40627774-G-A. GRCh37 (hg19) VCF-style: chr19-41133679-G-A.
Other names: c.4637G>A, p.Gly1546Asp (NM_001042544.1); c.4526G>A, p.Gly1509Asp (NM_003573.2); short protein forms G1546D, G1509D, G1479D.
Identifiers: ClinVar variation 1430659 (VCV001430659.6), dbSNP rs1051440, ClinGen allele CA9449322.
Genomic context (GRCh38, chr19:40,627,774, plus strand): 5'-CTGAGCCCTACGAGGAGCTGGAGGCGGAGGAGTGCGGGATCCTGGACGGCTGCACCAACG[G>A]CCGCTGCGTGCGCGTCCCCGAAGGCTTCACCTGCCGTTGCTTCGACGGCTACCGCCTGGA-3'
Protein context (NP_001036010.1, residues 1469-1489): ECGILDGCTN[Gly1479Asp]RCVRVPEGFT